The following is an entry in ClinVar:

ClinVar aggregate classification (germline): Uncertain significance (1 of 4 stars; one submission).

Submission:

GeneDx
Classification: Uncertain significance. Last evaluated: 2024-06-26. Review status: criteria provided, single submitter. Criteria: GeneDx Variant Classification Process June 2021. Collection method: clinical testing. Allele origin: germline. Affected: yes.
Comment: Not observed at significant frequency in large population cohorts (gnomAD); In silico analysis indicates that this missense variant does not alter protein structure/function; Has not been previously published as pathogenic or benign to our knowledge

NM_005121.3(MED13):c.2036A>G (p.Asn679Ser)

Gene: MED13 (mediator complex subunit 13; minus strand). Cytogenetic location: 17q23.2.
Variant type: single nucleotide variant.
Coding change: c.2036A>G on transcript NM_005121.3 (MANE Select); coding-DNA position 2036, A replaced by G.
Protein change: p.Asn679Ser; replaces asparagine 679 with serine.
Molecular consequence: missense variant.
Genome position (GRCh38, 1-based): chr17:61,995,297, T>C on the plus strand (A>G on the coding strand, the complement: MED13 is on the minus strand). VCF-style: chr17-61995297-T-C. GRCh37 (hg19) VCF-style: chr17-60072658-T-C.
Other names: short protein forms N679S.
Identifiers: ClinVar variation 3392842 (VCV003392842.1).
Genomic context (GRCh38, chr17:61,995,297, plus strand): 5'-GCATATGGATCAATTTTAGGTTCTTGTTCTGCATCAGATGCTATTGCTGAAAGACACTGG[T>C]TTTTAATTTGATATTGCTGCACTAATTCATCAGAAACTTTTAAAGGTTTCTTACATTGCA-3'
Protein context (NP_005112.2, residues 669-689): DELVQQYQIK[Asn679Ser]QCLSAIASDA